The following is an entry in ClinVar:

NM_003738.5(PTCH2):c.998G>A (p.Arg333Gln)

Gene: PTCH2 (patched 2; minus strand). Cytogenetic location: 1p34.1.
Variant type: single nucleotide variant.
Coding change: c.998G>A on transcript NM_003738.5 (MANE Select); coding-DNA position 998, G replaced by A.
Protein change: p.Arg333Gln; replaces arginine 333 with glutamine.
Molecular consequence: missense variant.
Genome position (GRCh38, 1-based): chr1:44,829,699, C>T on the plus strand (G>A on the coding strand, the complement: PTCH2 is on the minus strand). VCF-style: chr1-44829699-C-T. GRCh37 (hg19) VCF-style: chr1-45295371-C-T.
Other names: c.998G>A, p.Arg333Gln (NM_001166292.2); short protein forms R333Q.
Identifiers: ClinVar variation 648788 (VCV000648788.15), dbSNP rs146689795, ClinGen allele CA823467.

ClinVar aggregate classification (germline): Uncertain significance. Review status: criteria provided, multiple submitters, no conflicts (2 of 4 stars). 4 submissions from 3 submitters: Uncertain significance (4). Last evaluated 2026-02-11.

Conditions:
Basal cell nevus syndrome 1 (BCNS1). Also called: GORLIN-GOLTZ SYNDROME; MULTIPLE BASAL CELL NEVI, ODONTOGENIC KERATOCYSTS, AND SKELETAL ANOMALIES. Identifiers: MedGen CN376810, MONDO:0958174, OMIM 109400.
Gorlin syndrome. Also called: Basal cell nevus syndrome; Nevoid Basal Cell Carcinoma Syndrome. Identifiers: Orphanet 377, MedGen C0004779, MONDO:0007187.

Allele frequency attached by ClinVar (database versions not stated): gnomAD exomes 0.00003 and 0.00007; TOPMed 0.00005; gnomAD 0.00007; ESP Exome Variant Server 0.00008; ExAC 0.00010.
gnomAD v4.1: 55 of 1,614,222 alleles (0.0034%); highest among the groups gnomAD compares: Admixed American, 0.013%; no homozygotes.

Submissions (4):

St. Jude Molecular Pathology, St. Jude Children's Research Hospital
Classification: Uncertain significance for Basal cell nevus syndrome 1. Last evaluated: 2026-02-11. Review status: criteria provided, single submitter. Criteria: St. Jude Assertion Criteria 2020. Collection method: clinical testing. Allele origin: germline.
Comment: The PTCH2 c.998G>A p.(Arg333Gln) missense change has a maximum subpopulation frequency of 0.02% in gnomAD v2.1.1. The in silico tool REVEL is inconclusive about a pathogenic or benign effect of this variant on protein function, and to our knowledge functional studies have not been performed. To our knowledge, this variant has not been reported in individuals with nevoid basal cell carcinoma syndrome. In summary, the evidence currently available is insufficient to determine the clinical significance of this variant. It has therefore been classified as of uncertain significance.

Labcorp Genetics (formerly Invitae), Labcorp
Classification: Uncertain significance for Gorlin syndrome. Last evaluated: 2026-01-13. Review status: criteria provided, single submitter. Criteria: Invitae Variant Classification Sherloc (09022015). Collection method: clinical testing. Allele origin: germline.
Comment: This sequence change replaces arginine, which is basic and polar, with glutamine, which is neutral and polar, at codon 333 of the PTCH2 protein (p.Arg333Gln). This variant is present in population databases (rs146689795, gnomAD 0.02%). This variant has not been reported in the literature in individuals affected with PTCH2-related conditions. ClinVar contains an entry for this variant (Variation ID: 648788). Invitae Evidence Modeling of protein sequence and biophysical properties (such as structural, functional, and spatial information, amino acid conservation, physicochemical variation, residue mobility, and thermodynamic stability) indicates that this missense variant is not expected to disrupt PTCH2 protein function with a negative predictive value of 80%. In summary, the available evidence is currently insufficient to determine the role of this variant in disease. Therefore, it has been classified as a Variant of Uncertain Significance.

Ambry Genetics
Classification: Uncertain significance. Last evaluated: 2025-04-10. Review status: criteria provided, single submitter. Criteria: Ambry Variant Classification Scheme 2023. Collection method: clinical testing. Allele origin: germline.

St. Jude Molecular Pathology, St. Jude Children's Research Hospital
Classification: Uncertain significance for Gorlin syndrome. Last evaluated: 2021-05-27. Review status: criteria provided, single submitter. Criteria: St. Jude Assertion Criteria 2020. Collection method: clinical testing. Allele origin: germline.
Comment: The PTCH2 c.998G>A (p.Arg333Gln) missense change has a maximum subpopulation frequency of 0.017% in gnomAD v2.1.1. In silico tools are not in agreement about the effect of this variant on protein function, but to our knowledge these predictions have not been confirmed by functional assays. To our knowledge, this variant has not been reported in individuals with Gorlin syndrome. In summary, this variant meets criteria to be classified as of uncertain significance based on the ACMG/AMP criteria: no criteria met.